The following is an entry in ClinVar:

ClinVar aggregate classification (germline): Uncertain significance. Review status: criteria provided, multiple submitters, no conflicts (2 of 4 stars). 2 submissions from 2 submitters: Uncertain significance (2). Last evaluated 2025-09-04.

Conditions:
Biotin-responsive basal ganglia disease (BTBGD). Also called: Thiamine metabolism dysfunction syndrome type 2; THIAMINE METABOLISM DYSFUNCTION SYNDROME 2 (BIOTIN- AND THIAMINE-RESPONSIVE TYPE); Thiamine Transporter-2 Deficiency; Thiamine metabolism dysfunction syndrome 2 (biotin- or thiamine-responsive encephalopathy type 2); thiamine-responsive encephalopathy. Identifiers: Orphanet 199348, Orphanet 65284, MedGen C1843807, MONDO:0011841, OMIM 607483.

Submissions (2):

Myriad Genetics, Inc.
Classification: Uncertain significance for Biotin-responsive basal ganglia disease. Last evaluated: 2025-09-04. Review status: criteria provided, single submitter. Criteria: Myriad Autosomal Dominant, Autosomal Recessive and X-Linked Classification Criteria (2023). Collection method: clinical testing. Allele origin: unknown.
Comment: NM_025243.3(SLC19A3):c.368A>G(Y123C) is a missense variant classified as a variant of uncertain significance in the context of biotin-thiamine-responsive basal ganglia disease. Y123C has been observed in a case with relevant disease (PMID: 27841215). Relevant functional assessments of this variant are not available in the literature. Y123C has not been observed in referenced population frequency databases. In summary, there is insufficient evidence to classify NM_025243.3(SLC19A3):c.368A>G(Y123C) as pathogenic or benign. Please note: this variant was assessed in the context of healthy population screening.

Labcorp Genetics (formerly Invitae), Labcorp
Classification: Uncertain significance for Biotin-responsive basal ganglia disease. Last evaluated: 2022-03-04. Review status: criteria provided, single submitter. Criteria: Invitae Variant Classification Sherloc (09022015). Collection method: clinical testing. Allele origin: germline.
Comment: This sequence change replaces tyrosine, which is neutral and polar, with cysteine, which is neutral and slightly polar, at codon 123 of the SLC19A3 protein (p.Tyr123Cys). This variant is not present in population databases (gnomAD no frequency). This missense change has been observed in individual(s) with clinical features of SLC19A3-related conditions (PMID: 27841215). Advanced modeling of protein sequence and biophysical properties (such as structural, functional, and spatial information, amino acid conservation, physicochemical variation, residue mobility, and thermodynamic stability) performed at Invitae indicates that this missense variant is expected to disrupt SLC19A3 protein function. In summary, the available evidence is currently insufficient to determine the role of this variant in disease. Therefore, it has been classified as a Variant of Uncertain Significance.

Literature cited by the submitters: PubMed 27841215 (cited by Myriad Genetics, Inc. and Labcorp Genetics (formerly Invitae), Labcorp).

NM_025243.4(SLC19A3):c.368A>G (p.Tyr123Cys)

Gene: SLC19A3 (solute carrier family 19 member 3; minus strand). Cytogenetic location: 2q36.3.
Variant type: single nucleotide variant.
Coding change: c.368A>G on transcript NM_025243.4 (MANE Select); coding-DNA position 368, A replaced by G.
Protein change: p.Tyr123Cys; replaces tyrosine 123 with cysteine.
Molecular consequence: missense variant.
Genome position (GRCh38, 1-based): chr2:227,699,347, T>C on the plus strand (A>G on the coding strand, the complement: SLC19A3 is on the minus strand). VCF-style: chr2-227699347-T-C. GRCh37 (hg19) VCF-style: chr2-228564063-T-C.
Other names: c.368A>G, p.Tyr123Cys (NM_001371411.1, NM_001371412.1); c.356A>G, p.Tyr119Cys (NM_001371413.1, NM_001371414.1); short protein forms Y119C, Y123C.
Identifiers: ClinVar variation 2187433 (VCV002187433.2), dbSNP rs1695580946, ClinGen allele CA350877366.
Genomic context (GRCh38, chr2:227,699,347, plus strand): 5'-CAGTAGCCGCTCACTCTCTGGTAGTGCTCGGGGCTGACCACGCTGTATATGTAGGCGTAG[T>C]AGGCCACCTCGGCGGCGGTGACCATCCCATAGAAGAACTCTACAACCTGCATGGTCTTCA-3'
Protein context (NP_079519.1, residues 113-133): YGMVTAAEVA[Tyr123Cys]YAYIYSVVSP